The following is an entry in ClinVar:

ClinVar aggregate classification (germline): Conflicting classifications of pathogenicity. Review status: criteria provided, conflicting classifications (1 of 4 stars). 7 submissions from 7 submitters: Uncertain significance (5); Likely benign (1). 1 of the submissions does not count toward it. Last evaluated 2025-10-14.

Conditions:
Maturity-onset diabetes of the young type 9 (MODY9). Identifiers: Orphanet 552, MedGen C2677132, MONDO:0012818, OMIM 612225.
Diabetes mellitus, ketosis-prone (KPD). Identifiers: MedGen C3837958, MONDO:0100180, OMIM 612227.
Type 2 diabetes mellitus. Also called: Type II diabetes mellitus. Identifiers: MedGen C0011860, MeSH D003924, MONDO:0005148, OMIM 125853, HP:0005978.
Monogenic diabetes. Identifiers: Orphanet 183625, MedGen C3888631, MONDO:0015967.
PAX4-related disorder. Also called: PAX4-related condition.

Allele frequency attached by ClinVar (database versions not stated): gnomAD exomes 0.00028; ExAC 0.00041; ESP Exome Variant Server 0.00046; gnomAD 0.00048; TOPMed 0.00051.
gnomAD v4.1: 1,113 of 1,601,548 alleles (0.069%); highest among the groups gnomAD compares: Non-Finnish European, 0.089%; no homozygotes.

Submissions (7):

Labcorp Genetics (formerly Invitae), Labcorp
Classification: Uncertain significance. Last evaluated: 2025-10-14. Review status: criteria provided, single submitter. Criteria: Invitae Variant Classification Sherloc (09022015). Collection method: clinical testing. Allele origin: germline.
Comment: This sequence change replaces proline, which is neutral and non-polar, with leucine, which is neutral and non-polar, at codon 303 of the PAX4 protein (p.Pro303Leu). This variant is present in population databases (rs142426878, gnomAD 0.05%), and has an allele count higher than expected for a pathogenic variant. This variant has not been reported in the literature in individuals affected with PAX4-related conditions. ClinVar contains an entry for this variant (Variation ID: 393408). An algorithm developed to predict the effect of missense changes on protein structure and function outputs the following: PolyPhen-2: "Benign". The leucine amino acid residue is found in multiple mammalian species, which suggests that this missense change does not adversely affect protein function. In summary, the available evidence is currently insufficient to determine the role of this variant in disease. Therefore, it has been classified as a Variant of Uncertain Significance.

Blueprint Genetics
Classification: Likely benign. Last evaluated: 2024-11-19. Review status: criteria provided, single submitter. Criteria: ACMG Guidelines, 2015. Collection method: clinical testing. Allele origin: germline.

Department of Pathology and Laboratory Medicine, Sinai Health System
Classification: Uncertain significance for Type 2 diabetes mellitus; Maturity-onset diabetes of the young type 9; Diabetes mellitus, ketosis-prone. Last evaluated: 2021-08-23. Review status: criteria provided, single submitter. Criteria: ACMG Guidelines, 2015. Collection method: research. Allele origin: germline.

CeGaT Center for Human Genetics Tuebingen
Classification: Uncertain significance. Last evaluated: 2019-05-01. Review status: criteria provided, single submitter. Criteria: CeGaT Center For Human Genetics Tuebingen Variant Classification Criteria Version 2. Collection method: clinical testing. Allele origin: germline. Affected: yes. Observed: 3 variant alleles.

Genetic Services Laboratory, University of Chicago
Classification: Uncertain significance. Last evaluated: 2018-07-03. Review status: criteria provided, single submitter. Criteria: ACMG Guidelines, 2015. Collection method: clinical testing. Allele origin: germline. Affected: no.

Personalized Diabetes Medicine Program, University of Maryland School of Medicine
Classification: Uncertain significance for Monogenic diabetes. Last evaluated: 2016-03-01. Review status: criteria provided, single submitter. Criteria: ACMG Guidelines, 2015. Collection method: research. Allele origin: unknown. Observed: 1 variant allele, 1 heterozygote.
Comment: ACMG Criteria: PP3, BP4

PreventionGenetics, part of Exact Sciences
Classification: Uncertain significance for PAX4-related condition. Last evaluated: 2024-02-23. Review status: no assertion criteria provided. Collection method: clinical testing. Allele origin: germline. Not counted in ClinVar's aggregate classification.
Comment: The PAX4 c.908C>T variant is predicted to result in the amino acid substitution p.Pro303Leu. To our knowledge, this variant has not been reported in the literature. This variant is reported in 0.052% of alleles in individuals of African descent in gnomAD. At this time, the clinical significance of this variant is uncertain due to the absence of conclusive functional and genetic evidence.

NM_001366110.1(PAX4):c.932C>T (p.Pro311Leu)

Gene: PAX4 (paired box 4; minus strand). Cytogenetic location: 7q32.1.
Variant type: single nucleotide variant.
Coding change: c.932C>T on transcript NM_001366110.1 (MANE Select); coding-DNA position 932, C replaced by T.
Protein change: p.Pro311Leu; replaces proline 311 with leucine.
Molecular consequence: missense variant. On other transcripts: intron variant (1).
Genome position (GRCh38, 1-based): chr7:127,611,188, G>A on the plus strand (C>T on the coding strand, the complement: PAX4 is on the minus strand). VCF-style: chr7-127611188-G-A. GRCh37 (hg19) VCF-style: chr7-127251242-G-A.
Other names: NM_006193.2:c.908C>T; c.914-203C>T (NM_001366111.1); short protein forms P311L.
Identifiers: ClinVar variation 393408 (VCV000393408.55), dbSNP rs142426878, ClinGen allele CA4467858.